The following is an entry in ClinVar:

ClinVar aggregate classification (germline): Conflicting classifications of pathogenicity. Review status: criteria provided, conflicting classifications (1 of 4 stars). 2 submissions from 2 submitters: Likely pathogenic (1); Uncertain significance (1). Last evaluated 2024-06-18.

gnomAD v4.1: 1 of 1,613,018 alleles (0.000062%); no homozygotes.

Submissions (2):

GeneDx
Classification: Likely pathogenic. Last evaluated: 2024-06-18. Review status: criteria provided, single submitter. Criteria: GeneDx Variant Classification Process June 2021. Collection method: clinical testing. Allele origin: germline. Affected: yes.
Comment: Not observed at significant frequency in large population cohorts (gnomAD); In silico analysis supports that this missense variant has a deleterious effect on protein structure/function; Has not been previously published as pathogenic or benign to our knowledge

Labcorp Genetics (formerly Invitae), Labcorp
Classification: Uncertain significance. Last evaluated: 2024-01-10. Review status: criteria provided, single submitter. Criteria: Invitae Variant Classification Sherloc (09022015). Collection method: clinical testing. Allele origin: germline.
Comment: This sequence change replaces serine, which is neutral and polar, with arginine, which is basic and polar, at codon 339 of the EPS8L2 protein (p.Ser339Arg). This variant is not present in population databases (gnomAD no frequency). This variant has not been reported in the literature in individuals affected with EPS8L2-related conditions. An algorithm developed to predict the effect of missense changes on protein structure and function (PolyPhen-2) suggests that this variant is likely to be disruptive. In summary, the available evidence is currently insufficient to determine the role of this variant in disease. Therefore, it has been classified as a Variant of Uncertain Significance.

NM_022772.4(EPS8L2):c.1017C>G (p.Ser339Arg)

Gene: EPS8L2 (EPS8 signaling adaptor L2; plus strand). Cytogenetic location: 11p15.5.
Variant type: single nucleotide variant.
Coding change: c.1017C>G on transcript NM_022772.4 (MANE Select); coding-DNA position 1017, C replaced by G.
Protein change: p.Ser339Arg; replaces serine 339 with arginine.
Molecular consequence: missense variant.
Genome position (GRCh38, 1-based): chr11:722,123, C>G. VCF-style: chr11-722123-C-G. GRCh37 (hg19) VCF-style: chr11-722123-C-G.
Other names: c.1017C>G (NM_022772.3); short protein forms S339R.
Identifiers: ClinVar variation 2779309 (VCV002779309.4), dbSNP rs140568715, ClinGen allele CA378970671.
Genomic context (GRCh38, chr11:722,123, plus strand): 5'-GCACCTGCTCACTTGTTCCCACCCCCAGGCAAAGCTGCAGAAGCACATCCAGAACCCCAG[C>G]GCCGCGGAGCTCGTGCACTTCCTCTTCGGGCCTCTGGACCTGGTGCCTGGGGCCGGGCGG-3'
Protein context (NP_073609.2, residues 329-349): AKLQKHIQNP[Ser339Arg]AAELVHFLFG